The following is an entry in ClinVar:

NM_207111.4(RNF216):c.2252G>A (p.Arg751His)

Gene: RNF216 (ring finger protein 216; minus strand). Cytogenetic location: 7p22.1.
Variant type: single nucleotide variant.
Coding change: c.2252G>A on transcript NM_207111.4 (MANE Select); coding-DNA position 2252, G replaced by A.
Protein change: p.Arg751His; replaces arginine 751 with histidine.
Molecular consequence: missense variant.
Genome position (GRCh38, 1-based): chr7:5,641,284, C>T on the plus strand (G>A on the coding strand, the complement: RNF216 is on the minus strand). VCF-style: chr7-5641284-C-T. GRCh37 (hg19) VCF-style: chr7-5680915-C-T.
Other names: c.2081G>A, p.Arg694His (NM_001377156.1, NM_207116.3); short protein forms R694H, R751H.
Identifiers: ClinVar variation 1398969 (VCV001398969.8), dbSNP rs377498743, ClinGen allele CA4147861.
Genomic context (GRCh38, chr7:5,641,284, plus strand): 5'-CAGAAATGGTCATATCCATTAATAGAAACTCGACAGAGGTAGCACATCTGGGCACCACAG[C>T]GGCAAGACATGCGGTTGCAGCCTTCAGATTTGATGAGGCCAGTCCCACACTTGTGGCATT-3'
Protein context (NP_996994.1, residues 741-761): KSEGCNRMSC[Arg751His]CGAQMCYLCR

ClinVar aggregate classification (germline): Uncertain significance (1 of 4 stars; one submission).

Allele frequency attached by ClinVar (database versions not stated): TOPMed below 0.00001; ExAC 0.00001; gnomAD 0.00001; ESP Exome Variant Server 0.00008.
gnomAD v4.1: 5 of 1,614,096 alleles (0.00031%); highest among the groups gnomAD compares: African/African-American, 0.0013%; no homozygotes.

Submission:

Labcorp Genetics (formerly Invitae), Labcorp
Classification: Uncertain significance. Last evaluated: 2025-03-10. Review status: criteria provided, single submitter. Criteria: Invitae Variant Classification Sherloc (09022015). Collection method: clinical testing. Allele origin: germline.
Comment: This sequence change replaces arginine, which is basic and polar, with histidine, which is basic and polar, at codon 751 of the RNF216 protein (p.Arg751His). This variant is present in population databases (rs377498743, gnomAD 0.007%). This variant has not been reported in the literature in individuals affected with RNF216-related conditions. ClinVar contains an entry for this variant (Variation ID: 1398969). An algorithm developed to predict the effect of missense changes on protein structure and function (PolyPhen-2) suggests that this variant is likely to be disruptive. In summary, the available evidence is currently insufficient to determine the role of this variant in disease. Therefore, it has been classified as a Variant of Uncertain Significance.